The following is an entry in ClinVar:

ClinVar aggregate classification (germline): Uncertain significance (1 of 4 stars; one submission).

Submission:

Labcorp Genetics (formerly Invitae), Labcorp
Classification: Uncertain significance. Last evaluated: 2024-04-08. Review status: criteria provided, single submitter. Criteria: Invitae Variant Classification Sherloc (09022015). Collection method: clinical testing. Allele origin: germline.
Comment: This sequence change replaces histidine, which is basic and polar, with tyrosine, which is neutral and polar, at codon 354 of the LIPG protein (p.His354Tyr). This variant is present in population databases (no rsID available, gnomAD 0.006%). This variant has not been reported in the literature in individuals affected with LIPG-related conditions. An algorithm developed to predict the effect of missense changes on protein structure and function (PolyPhen-2) suggests that this variant is likely to be disruptive. In summary, the available evidence is currently insufficient to determine the role of this variant in disease. Therefore, it has been classified as a Variant of Uncertain Significance.

NM_006033.4(LIPG):c.1060C>T (p.His354Tyr)

Gene: LIPG (lipase G, endothelial type; plus strand). Cytogenetic location: 18q21.1.
Variant type: single nucleotide variant.
Coding change: c.1060C>T on transcript NM_006033.4 (MANE Select); coding-DNA position 1060, C replaced by T.
Protein change: p.His354Tyr; replaces histidine 354 with tyrosine.
Molecular consequence: missense variant.
Genome position (GRCh38, 1-based): chr18:49,582,385, C>T. VCF-style: chr18-49582385-C-T. GRCh37 (hg19) VCF-style: chr18-47108755-C-T.
Other names: c.838C>T, p.His280Tyr (NM_001308006.2); short protein forms H280Y, H354Y.
Identifiers: ClinVar variation 3608403 (VCV003608403.2).
Genomic context (GRCh38, chr18:49,582,385, plus strand): 5'-AAGGGTTACAAGCATCTTTGTTCTGCTGTCACTGCAGTTTACCATTATCAGATGAAAATC[C>T]ATGTCTTCAGTTACAAGAACATGGGAGAAATTGAGCCCACCTTTTACGTCACCCTTTATG-3'
Protein context (NP_006024.1, residues 344-364): FRVYHYQMKI[His354Tyr]VFSYKNMGEI